The following is an entry in ClinVar:

ClinVar aggregate classification (germline): Uncertain significance. Review status: criteria provided, multiple submitters, no conflicts (2 of 4 stars). 2 submissions from 2 submitters: Uncertain significance (2). Last evaluated 2023-12-31.

Conditions:
Inborn genetic diseases. Identifiers: MedGen C0950123, MeSH D030342.
Progressive sclerosing poliodystrophy (MTDPS4A). Also called: Alpers-Huttenlocher Syndrome (AHS); Alpers Syndrome; ALPERS PROGRESSIVE INFANTILE POLIODYSTROPHY; Mitochondrial DNA depletion syndrome 4A (Alpers type); ALPERS DIFFUSE DEGENERATION OF CEREBRAL GRAY MATTER WITH HEPATIC CIRRHOSIS; Alpers-Huttenlocher Syndrome. Identifiers: Orphanet 726, MedGen C0205710, MONDO:0008758, OMIM 203700.

Allele frequency attached by ClinVar (database versions not stated): TOPMed 0.00002.
gnomAD v4.1: 29 of 1,598,104 alleles (0.0018%); highest among the groups gnomAD compares: South Asian, 0.0033%; no homozygotes.

Submissions (2):

Ambry Genetics
Classification: Uncertain significance for Inborn genetic diseases. Last evaluated: 2023-12-31. Review status: criteria provided, single submitter. Criteria: Ambry Variant Classification Scheme 2023. Collection method: clinical testing. Allele origin: germline.

Wong Mito Lab, Molecular and Human Genetics, Baylor College of Medicine
Classification: Uncertain significance for Progressive sclerosing poliodystrophy. Last evaluated: 2018-10-01. Review status: criteria provided, single submitter. Criteria: ACMG Guidelines, 2015. Collection method: clinical testing. Allele origin: germline.
Comment: The NM_002693.2:c.159A>T (NP_002684.1:p.Gln53His) [GRCH38: NC_000015.10:g.89333596T>A] variant in POLG gene is interpretated to be a Uncertain Significance based on ACMG guidelines (PMID: 25741868). This variant meets the following evidence codes reported in the ACMG-guideline. PM2:This variant is absent in key population databases. BP4:Computational evidence/predictors indicate no impact on the POLG structure, function, or protein-protein interaction. Based on the evidence criteria codes applied, the variant is suggested to be Uncertain Significance.

NM_002693.3(POLG):c.159A>T (p.Gln53His)

Genes: POLG (DNA polymerase gamma, catalytic subunit; minus strand), POLGARF (POLG alternative reading frame; minus strand). Cytogenetic location: 15q26.1.
Variant type: single nucleotide variant.
Coding change: c.159A>T on transcript NM_002693.3 (MANE Select); coding-DNA position 159, A replaced by T.
Protein change: p.Gln53His; replaces glutamine 53 with histidine.
Molecular consequence: missense variant.
Genome position (GRCh38, 1-based): chr15:89,333,596, T>A on the plus strand (A>T on the coding strand, the complement: POLG is on the minus strand). VCF-style: chr15-89333596-T-A. GRCh37 (hg19) VCF-style: chr15-89876827-T-A.
Other names: c.159A>T, p.Gln53His (NM_001126131.2); short protein forms Q53H.
Identifiers: ClinVar variation 619317 (VCV000619317.2), dbSNP rs587781118, ClinGen allele CA10602197.